The following is an entry in ClinVar:

ClinVar aggregate classification (germline): Conflicting classifications of pathogenicity. Review status: criteria provided, conflicting classifications (1 of 4 stars). 2 submissions from 2 submitters: Likely pathogenic (1); Likely benign (1). Last evaluated 2024-06-21.

Conditions:
Very long chain acyl-CoA dehydrogenase deficiency (ACADVLD). Also called: Very Long-Chain Acyl-Coenzyme A Dehydrogenase Deficiency; VLCAD Deficiency. Identifiers: Orphanet 26793, MedGen C3887523, MONDO:0008723, OMIM 201475.

Allele frequency attached by ClinVar (database versions not stated): TOPMed below 0.00001; gnomAD 0.00001.
gnomAD v4.1: 2 of 1,613,814 alleles (0.00012%); highest among the groups gnomAD compares: Non-Finnish European, 0.000085%; no homozygotes.

Submissions (2):

Labcorp Genetics (formerly Invitae), Labcorp
Classification: Likely benign for Very long chain acyl-CoA dehydrogenase deficiency. Last evaluated: 2024-06-21. Review status: criteria provided, single submitter. Criteria: Invitae Variant Classification Sherloc (09022015). Collection method: clinical testing. Allele origin: germline.

Molecular Diagnostics Laboratory, M Health Fairview: University of Minnesota
Classification: Likely pathogenic for Very long chain acyl-CoA dehydrogenase deficiency. Last evaluated: 2024-03-14. Review status: criteria provided, single submitter. Criteria: ACMG Guidelines, 2015. Collection method: clinical testing. Allele origin: germline. Affected: yes.
Comment: seen in trans with a pathogenic ACADVL frameshift variant

NM_000018.4(ACADVL):c.894G>A (p.Lys298=)

Gene: ACADVL (acyl-CoA dehydrogenase very long chain; plus strand). Cytogenetic location: 17p13.1.
Variant type: single nucleotide variant.
Coding change: c.894G>A on transcript NM_000018.4 (MANE Select); coding-DNA position 894, G replaced by A.
Protein change: p.Lys298=; no amino-acid change (lysine 298 retained).
Molecular consequence: synonymous variant.
Genome position (GRCh38, 1-based): chr17:7,222,682, G>A. VCF-style: chr17-7222682-G-A. GRCh37 (hg19) VCF-style: chr17-7126001-G-A.
Other names: c.828G>A, p.Lys276= (NM_001033859.3); c.963G>A, p.Lys321= (NM_001270447.2); c.666G>A, p.Lys222= (NM_001270448.2).
Identifiers: ClinVar variation 1558891 (VCV001558891.9), dbSNP rs749598830, ClinGen allele CA497620170.